The following is an entry in ClinVar:

NM_001042517.2(DIAPH3):c.1463A>G (p.Asp488Gly)

Gene: DIAPH3 (diaphanous related formin 3; minus strand). Cytogenetic location: 13q21.2.
Variant type: single nucleotide variant.
Coding change: c.1463A>G on transcript NM_001042517.2 (MANE Select); coding-DNA position 1463, A replaced by G.
Protein change: p.Asp488Gly; replaces aspartic acid 488 with glycine.
Molecular consequence: missense variant.
Genome position (GRCh38, 1-based): chr13:59,983,786, T>C on the plus strand (A>G on the coding strand, the complement: DIAPH3 is on the minus strand). VCF-style: chr13-59983786-T-C. GRCh37 (hg19) VCF-style: chr13-60557920-T-C.
Other names: c.1430A>G, p.Asp477Gly (NM_001258366.2); c.1325A>G, p.Asp442Gly (NM_001258367.2); c.1253A>G, p.Asp418Gly (NM_001258368.2); c.1463A>G, p.Asp488Gly (NM_001258369.2); c.674A>G, p.Asp225Gly (NM_001258370.2, NM_030932.4); short protein forms D418G, D442G, D488G, D477G, D225G.
Identifiers: ClinVar variation 3684159 (VCV003684159.2).

ClinVar aggregate classification (germline): Uncertain significance (1 of 4 stars; one submission).

gnomAD v4.1: 3 of 1,604,004 alleles (0.00019%); highest among the groups gnomAD compares: Non-Finnish European, 0.00026%; no homozygotes.

Submission:

Labcorp Genetics (formerly Invitae), Labcorp
Classification: Uncertain significance. Last evaluated: 2024-05-12. Review status: criteria provided, single submitter. Criteria: Invitae Variant Classification Sherloc (09022015). Collection method: clinical testing. Allele origin: germline.
Comment: This sequence change replaces aspartic acid, which is acidic and polar, with glycine, which is neutral and non-polar, at codon 488 of the DIAPH3 protein (p.Asp488Gly). This variant is not present in population databases (gnomAD no frequency). This variant has not been reported in the literature in individuals affected with DIAPH3-related conditions. An algorithm developed to predict the effect of missense changes on protein structure and function (PolyPhen-2) suggests that this variant is likely to be disruptive. In summary, the available evidence is currently insufficient to determine the role of this variant in disease. Therefore, it has been classified as a Variant of Uncertain Significance.